The following is an entry in ClinVar:

ClinVar aggregate classification (germline): Pathogenic (1 of 4 stars; one submission).

Conditions:
Wilson disease (WND). Also called: Wilson's disease. Identifiers: Orphanet 905, MedGen C0019202, MONDO:0010200, OMIM 277900. Disease mechanism: loss of function.

Submission:

All of Us Research Program, National Institutes of Health
Classification: Pathogenic for Wilson disease. Last evaluated: 2023-10-02. Review status: criteria provided, single submitter. Criteria: ACMG Guidelines, 2015. Collection method: clinical testing. Allele origin: germline. Inheritance: Autosomal recessive inheritance. Observed: 1 variant allele, 1 heterozygote.
Comment: This variant changes 1 nucleotide in exon 8 of the ATP7B gene, creating a premature translation stop signal. This variant is expected to result in an absent or non-functional protein product. To our knowledge, this variant has not been reported in individuals affected with ATP7B-related disorders in the literature. This variant has not been identified in the general population by the Genome Aggregation Database (gnomAD). A different DNA substituton (c.223T>A) with same protein consequence has been observed in individuals affected with Wilson disease and is reported to be disease-causing (ClinVar variation ID: 861182). Loss of ATP7B function is a known mechanism of disease. Based on the available evidence, this variant is classified as Pathogenic.

This study involves interpretation of variants in research participants for the purpose of population health screening. Participant phenotype was not available at the time of variant classification. Additional details can be found in publication PMID: 35346344, PMCID: PMC8962531

NM_000053.4(ATP7B):c.2223T>G (p.Tyr741Ter)

Gene: ATP7B (ATPase copper transporting beta; minus strand). Cytogenetic location: 13q14.3.
Variant type: single nucleotide variant.
Coding change: c.2223T>G on transcript NM_000053.4 (MANE Select); coding-DNA position 2223, T replaced by G.
Protein change: p.Tyr741Ter; replaces tyrosine 741 with a stop codon.
Molecular consequence: nonsense. On other transcripts: intron variant (20).
Genome position (GRCh38, 1-based): chr13:51,958,443, A>C on the plus strand (T>G on the coding strand, the complement: ATP7B is on the minus strand). VCF-style: chr13-51958443-A-C. GRCh37 (hg19) VCF-style: chr13-52532579-A-C.
Other names: c.2223T>G, p.Tyr741Ter (NM_001406516.1, NM_001406519.1, NM_001406523.1 and 7 more transcripts); c.2127T>G, p.Tyr709Ter (NM_001406517.1, NM_001406518.1); c.1971T>G, p.Tyr657Ter (NM_001406531.1, NM_001406532.1, NM_001330579.2 and 1 more transcripts); c.1708-836T>G (NM_001406547.1, NM_001406545.1); c.1870-836T>G (NM_001005918.3, NM_001406546.1, NM_001406542.1 and 1 more transcripts); c.2122-836T>G (NM_001406534.1, NM_001406538.1, NM_001330578.2 and 2 more transcripts); c.2122-43T>G (NM_001406520.1, NM_001406537.1, NM_001406521.1 and 1 more transcripts); c.1774-836T>G (NM_001406544.1); and 8 more; short protein forms Y598*, Y625*, Y630*, Y657*, Y709*, Y730*, Y741*.
Identifiers: ClinVar variation 3073530 (VCV003073530.1), dbSNP rs1958499640, ClinGen allele CA388022531.